The following is an entry in ClinVar:

NM_025099.6(CTC1):c.1046T>G (p.Leu349Arg)

Gene: CTC1 (CST telomere replication complex component 1; minus strand). Cytogenetic location: 17p13.1.
Variant type: single nucleotide variant.
Coding change: c.1046T>G on transcript NM_025099.6 (MANE Select); coding-DNA position 1046, T replaced by G.
Protein change: p.Leu349Arg; replaces leucine 349 with arginine.
Molecular consequence: missense variant. On other transcripts: non-coding transcript variant (1).
Genome position (GRCh38, 1-based): chr17:8,236,089, A>C on the plus strand (T>G on the coding strand, the complement: CTC1 is on the minus strand). VCF-style: chr17-8236089-A-C. GRCh37 (hg19) VCF-style: chr17-8139407-A-C.
Other names: short protein forms L349R.
Identifiers: ClinVar variation 1404170 (VCV001404170.8), dbSNP rs2151522868, ClinGen allele CA397987896.

ClinVar aggregate classification (germline): Uncertain significance (1 of 4 stars; one submission).

Conditions:
Dyskeratosis congenita. Identifiers: Orphanet 1775, MedGen C0265965, MONDO:0015780.

Submission:

Labcorp Genetics (formerly Invitae), Labcorp
Classification: Uncertain significance for Dyskeratosis congenita. Last evaluated: 2022-08-23. Review status: criteria provided, single submitter. Criteria: Invitae Variant Classification Sherloc (09022015). Collection method: clinical testing. Allele origin: germline.
Comment: In summary, the available evidence is currently insufficient to determine the role of this variant in disease. Therefore, it has been classified as a Variant of Uncertain Significance. Algorithms developed to predict the effect of sequence changes on RNA splicing suggest that this variant may disrupt the consensus splice site. Algorithms developed to predict the effect of missense changes on protein structure and function are either unavailable or do not agree on the potential impact of this missense change (SIFT: "Deleterious"; PolyPhen-2: "Possibly Damaging"; Align-GVGD: "Class C0"). ClinVar contains an entry for this variant (Variation ID: 1404170). This variant has not been reported in the literature in individuals affected with CTC1-related conditions. This variant is not present in population databases (gnomAD no frequency). This sequence change replaces leucine, which is neutral and non-polar, with arginine, which is basic and polar, at codon 349 of the CTC1 protein (p.Leu349Arg).